The following is an entry in ClinVar:

NM_004304.5(ALK):c.3743G>A (p.Arg1248Gln)

Gene: ALK (ALK receptor tyrosine kinase; minus strand). Cytogenetic location: 2p23.2.
Variant type: single nucleotide variant.
Coding change: c.3743G>A on transcript NM_004304.5 (MANE Select); coding-DNA position 3743, G replaced by A.
Protein change: p.Arg1248Gln; replaces arginine 1248 with glutamine.
Molecular consequence: missense variant.
Genome position (GRCh38, 1-based): chr2:29,213,984, C>T on the plus strand (G>A on the coding strand, the complement: ALK is on the minus strand). VCF-style: chr2-29213984-C-T. GRCh37 (hg19) VCF-style: chr2-29436850-C-T.
Other names: c.539G>A, p.Arg180Gln (NM_001353765.2); short protein forms R1248Q, R180Q.
Identifiers: ClinVar variation 404358 (VCV000404358.17), dbSNP rs368059424, ClinGen allele CA1593799.
Genomic context (GRCh38, chr2:29,213,984, plus strand): 5'-GCGGGGAAGCACACAGATCAGCGACAGGATGACAGGAAGAGCACAGTCACTTTGACTCAC[C>T]GGTGGATGAAGTGGTTTTCCTCCAAATACTGACAGCCACAGGCAATGTCCCGAGCCACGT-3'
Protein context (NP_004295.2, residues 1238-1258): QYLEENHFIH[Arg1248Gln]DIAARNCLLT

ClinVar aggregate classification (germline): Uncertain significance. Review status: criteria provided, multiple submitters, no conflicts (2 of 4 stars). 5 submissions from 5 submitters: Uncertain significance (5). Last evaluated 2025-10-11.

Conditions:
Hereditary cancer-predisposing syndrome. Also called: Tumor predisposition; Neoplastic Syndromes, Hereditary; Hereditary Cancer Syndrome; Hereditary neoplastic syndrome. Identifiers: Orphanet 140162, MedGen C0027672, MeSH D009386, MONDO:0015356.
Neuroblastoma, susceptibility to, 3. Also called: ALK-Related Neuroblastic Tumor Susceptibility. Identifiers: Orphanet 635, MedGen C2751681, MONDO:0013083, OMIM 613014.

Allele frequency attached by ClinVar (database versions not stated): gnomAD exomes below 0.00001 and 0.00001; TOPMed 0.00001; 1000 Genomes Project 30x 0.00016; 1000 Genomes Project 0.00020.
gnomAD v4.1: 7 of 1,612,990 alleles (0.00043%); highest among the groups gnomAD compares: South Asian, 0.0022%; no homozygotes.

Submissions (5):

Labcorp Genetics (formerly Invitae), Labcorp
Classification: Uncertain significance for Neuroblastoma, susceptibility to, 3. Last evaluated: 2025-10-11. Review status: criteria provided, single submitter. Criteria: Invitae Variant Classification Sherloc (09022015). Collection method: clinical testing. Allele origin: germline.
Comment: This sequence change replaces arginine, which is basic and polar, with glutamine, which is neutral and polar, at codon 1248 of the ALK protein (p.Arg1248Gln). This variant also falls at the last nucleotide of exon 24, which is part of the consensus splice site for this exon. This variant is present in population databases (rs368059424, gnomAD 0.006%). This variant has not been reported in the literature in individuals affected with ALK-related conditions. ClinVar contains an entry for this variant (Variation ID: 404358). An algorithm developed to predict the effect of missense changes on protein structure and function (PolyPhen-2) suggests that this variant is likely to be disruptive. Variants that disrupt the consensus splice site are a relatively common cause of aberrant splicing (PMID: 17576681, 9536098). In summary, the available evidence is currently insufficient to determine the role of this variant in disease. Therefore, it has been classified as a Variant of Uncertain Significance.

Ambry Genetics
Classification: Uncertain significance for Hereditary cancer-predisposing syndrome. Last evaluated: 2024-06-19. Review status: criteria provided, single submitter. Criteria: Ambry Variant Classification Scheme 2023. Collection method: clinical testing. Allele origin: germline.
Comment: The p.R1248Q variant (also known as c.3743G>A), located in coding exon 24 of the ALK gene, results from a G to A substitution at nucleotide position 3743. The arginine at codon 1248 is replaced by glutamine, an amino acid with highly similar properties. However, this change occurs in the last base pair of coding exon 24, which makes it likely to have some effect on normal mRNA splicing. This nucleotide position is highly conserved in available vertebrate species. This amino acid position is highly conserved in available vertebrate species. In silico splice site analysis predicts that this alteration will weaken the native splice donor site. In addition, as a missense substitution this is predicted to be deleterious by in silico analysis. However, loss of function of ALK has not been clearly established as a mechanism of disease. Based on the available evidence, the clinical significance of this variant remains unclear.

Fulgent Genetics
Classification: Uncertain significance for Neuroblastoma, susceptibility to, 3. Last evaluated: 2024-05-06. Review status: criteria provided, single submitter. Criteria: ACMG Guidelines, 2015. Collection method: clinical testing. Allele origin: germline.

Baylor Genetics
Classification: Uncertain significance for Neuroblastoma, susceptibility to, 3. Last evaluated: 2024-03-03. Review status: criteria provided, single submitter. Criteria: ACMG Guidelines, 2015. Collection method: clinical testing. Allele origin: unknown.

GeneDx
Classification: Uncertain significance. Last evaluated: 2023-08-09. Review status: criteria provided, single submitter. Criteria: GeneDx Variant Classification Process June 2021. Collection method: clinical testing. Allele origin: germline. Affected: yes.
Comment: Not observed at significant frequency in large population cohorts (gnomAD); In silico analysis supports that this missense variant has a deleterious effect on protein structure/function; In silico analysis supports a deleterious effect on splicing; Observed de novo in a patient with developmental disorder (Turner et al., 2019); This variant is associated with the following publications: (PMID: 31785789)

Literature cited by the submitters: PubMed 17576681 (cited by Labcorp Genetics (formerly Invitae), Labcorp); PubMed 9536098 (cited by Labcorp Genetics (formerly Invitae), Labcorp).